The following is an entry in ClinVar:

ClinVar aggregate classification (germline): Likely benign (1 of 4 stars; one submission).

Allele frequency attached by ClinVar (database versions not stated): gnomAD exomes below 0.00001; ExAC 0.00002.
gnomAD v4.1: 4 of 1,613,900 alleles (0.00025%); highest among the groups gnomAD compares: South Asian, 0.0033%; no homozygotes.

Submission:

CeGaT Center for Human Genetics Tuebingen
Classification: Likely benign. Last evaluated: 2024-06-01. Review status: criteria provided, single submitter. Criteria: CeGaT Center For Human Genetics Tuebingen Variant Classification Criteria Version 2. Collection method: clinical testing. Allele origin: germline. Affected: yes. Observed: 1 variant allele.
Comment: VLDLR: BP4, BP7

NM_003383.5(VLDLR):c.1053C>T (p.Pro351=)

Gene: VLDLR (very low density lipoprotein receptor; plus strand). Cytogenetic location: 9p24.2.
Variant type: single nucleotide variant.
Coding change: c.1053C>T on transcript NM_003383.5 (MANE Select); coding-DNA position 1053, C replaced by T.
Protein change: p.Pro351=; no amino-acid change (proline 351 retained).
Molecular consequence: synonymous variant.
Genome position (GRCh38, 1-based): chr9:2,643,946, C>T. VCF-style: chr9-2643946-C-T. GRCh37 (hg19) VCF-style: chr9-2643946-C-T.
Other names: c.1053C>T, p.Pro351= (NM_001018056.3); c.930C>T, p.Pro310= (NM_001322225.2, NM_001322226.2).
Identifiers: ClinVar variation 3251105 (VCV003251105.18), dbSNP rs772012729.